The following is an entry in ClinVar:

NM_005618.4(DLL1):c.1930G>A (p.Val644Met)

Gene: DLL1 (delta like canonical Notch ligand 1; minus strand). Cytogenetic location: 6q27.
Variant type: single nucleotide variant.
Coding change: c.1930G>A on transcript NM_005618.4 (MANE Select); coding-DNA position 1930, G replaced by A.
Protein change: p.Val644Met; replaces valine 644 with methionine.
Molecular consequence: missense variant.
Genome position (GRCh38, 1-based): chr6:170,283,349, C>T on the plus strand (G>A on the coding strand, the complement: DLL1 is on the minus strand). VCF-style: chr6-170283349-C-T. GRCh37 (hg19) VCF-style: chr6-170592437-C-T.
Other names: short protein forms V644M.
Identifiers: ClinVar variation 2066691 (VCV002066691.4), dbSNP rs187849210, ClinGen allele CA4106679.

ClinVar aggregate classification (germline): Uncertain significance (1 of 4 stars; one submission).

Allele frequency attached by ClinVar (database versions not stated): ExAC 0.00004; 1000 Genomes Project 30x 0.00031; gnomAD 0.00002; 1000 Genomes Project 0.00040.
gnomAD v4.1: 41 of 1,612,740 alleles (0.0025%); highest among the groups gnomAD compares: East Asian, 0.06%; no homozygotes.

Submission:

Labcorp Genetics (formerly Invitae), Labcorp
Classification: Uncertain significance. Last evaluated: 2024-04-15. Review status: criteria provided, single submitter. Criteria: Invitae Variant Classification Sherloc (09022015). Collection method: clinical testing. Allele origin: germline.
Comment: This sequence change replaces valine, which is neutral and non-polar, with methionine, which is neutral and non-polar, at codon 644 of the DLL1 protein (p.Val644Met). This variant is present in population databases (rs187849210, gnomAD 0.01%). This variant has not been reported in the literature in individuals affected with DLL1-related conditions. ClinVar contains an entry for this variant (Variation ID: 2066691). An algorithm developed to predict the effect of missense changes on protein structure and function (PolyPhen-2) suggests that this variant is likely to be disruptive. In summary, the available evidence is currently insufficient to determine the role of this variant in disease. Therefore, it has been classified as a Variant of Uncertain Significance.